The following is an entry in ClinVar:

ClinVar aggregate classification (germline): Uncertain significance (1 of 4 stars; one submission).

Conditions:
Glycine encephalopathy. Also called: Nonketotic hyperglycinemia; Non-ketotic hyperglycinemia. Identifiers: Orphanet 407, MedGen C0751748, MONDO:0011612, HP:0008288.

gnomAD v4.1: 1 of 1,614,108 alleles (0.000062%); highest among the groups gnomAD compares: East Asian, 0.0022%; no homozygotes.

Submission:

Labcorp Genetics (formerly Invitae), Labcorp
Classification: Uncertain significance for Glycine encephalopathy. Last evaluated: 2022-10-21. Review status: criteria provided, single submitter. Criteria: Invitae Variant Classification Sherloc (09022015). Collection method: clinical testing. Allele origin: germline.
Comment: This sequence change replaces isoleucine, which is neutral and non-polar, with asparagine, which is neutral and polar, at codon 933 of the GLDC protein (p.Ile933Asn). This variant is present in population databases (rs758029533, gnomAD 0.006%). This variant has not been reported in the literature in individuals affected with GLDC-related conditions. ClinVar contains an entry for this variant (Variation ID: 462880). Advanced modeling of protein sequence and biophysical properties (such as structural, functional, and spatial information, amino acid conservation, physicochemical variation, residue mobility, and thermodynamic stability) has been performed at Invitae for this missense variant, however the output from this modeling did not meet the statistical confidence thresholds required to predict the impact of this variant on GLDC protein function. This variant disrupts the p.Ile933 amino acid residue in GLDC. Other variant(s) that disrupt this residue have been determined to be pathogenic (PMID: 26179960, 27362913). This suggests that this residue is clinically significant, and that variants that disrupt this residue are likely to be disease-causing. In summary, the available evidence is currently insufficient to determine the role of this variant in disease. Therefore, it has been classified as a Variant of Uncertain Significance.

Literature cited by the submitters: PubMed 26179960; PubMed 27362913.

NM_000170.3(GLDC):c.2798T>A (p.Ile933Asn)

Gene: GLDC (glycine decarboxylase; minus strand). Cytogenetic location: 9p24.1.
Variant type: single nucleotide variant.
Coding change: c.2798T>A on transcript NM_000170.3 (MANE Select); coding-DNA position 2798, T replaced by A.
Protein change: p.Ile933Asn; replaces isoleucine 933 with asparagine.
Molecular consequence: missense variant.
Genome position (GRCh38, 1-based): chr9:6,536,104, A>T on the plus strand (T>A on the coding strand, the complement: GLDC is on the minus strand). VCF-style: chr9-6536104-A-T. GRCh37 (hg19) VCF-style: chr9-6536104-A-T.
Other names: short protein forms I933N.
Identifiers: ClinVar variation 462880 (VCV000462880.7), dbSNP rs758029533, ClinGen allele CA4980074.